The following is an entry in ClinVar:

ClinVar aggregate classification (germline): Uncertain significance (1 of 4 stars; one submission).

gnomAD v4.1: 1 of 1,536,054 alleles (0.000065%); highest among the groups gnomAD compares: East Asian, 0.0024%; no homozygotes.

Submission:

Labcorp Genetics (formerly Invitae), Labcorp
Classification: Uncertain significance. Last evaluated: 2022-07-19. Review status: criteria provided, single submitter. Criteria: Invitae Variant Classification Sherloc (09022015). Collection method: clinical testing. Allele origin: germline.
Comment: In summary, the available evidence is currently insufficient to determine the role of this variant in disease. Therefore, it has been classified as a Variant of Uncertain Significance. Algorithms developed to predict the effect of missense changes on protein structure and function output the following: SIFT: "Deleterious"; PolyPhen-2: "Not Available"; Align-GVGD: "Class C0". The valine amino acid residue is found in multiple mammalian species, which suggests that this missense change does not adversely affect protein function. ClinVar contains an entry for this variant (Variation ID: 1504661). This variant has not been reported in the literature in individuals affected with PDZD7-related conditions. This variant is not present in population databases (gnomAD no frequency). This sequence change replaces leucine, which is neutral and non-polar, with valine, which is neutral and non-polar, at codon 964 of the PDZD7 protein (p.Leu964Val).

NM_001195263.2(PDZD7):c.2890C>G (p.Leu964Val)

Gene: PDZD7 (PDZ domain containing 7; minus strand). Cytogenetic location: 10q24.31.
Variant type: single nucleotide variant.
Coding change: c.2890C>G on transcript NM_001195263.2 (MANE Select); coding-DNA position 2890, C replaced by G.
Protein change: p.Leu964Val; replaces leucine 964 with valine.
Molecular consequence: missense variant.
Genome position (GRCh38, 1-based): chr10:101,008,679, G>C on the plus strand (C>G on the coding strand, the complement: PDZD7 is on the minus strand). VCF-style: chr10-101008679-G-C. GRCh37 (hg19) VCF-style: chr10-102768436-G-C.
Other names: short protein forms L964V.
Identifiers: ClinVar variation 1504661 (VCV001504661.6), dbSNP rs777278451, ClinGen allele CA378223138.
Genomic context (GRCh38, chr10:101,008,679, plus strand): 5'-GAGCAGCATCAAGGGGTTGGTGGGCAGGCAAGTGGTCAGCAGGAAGGCCCCCATCAGTAA[G>C]GGCTGATGAGTCAGAGGGTGAGGGCCGTGGGCTGGGCCCGGGGACCCTGACCACAAGCTC-3'
Protein context (NP_001182192.1, residues 954-974): PRPSPSDSSA[Leu964Val]TDGGLPADHL